The following is an entry in ClinVar:

NM_030962.4(SBF2):c.3006G>T (p.Lys1002Asn)

Genes: SBF2 (SET binding factor 2; minus strand), LOC101928008 (uncharacterized LOC101928008; plus strand). Cytogenetic location: 11p15.4.
Variant type: single nucleotide variant.
Coding change: c.3006G>T on transcript NM_030962.4 (MANE Select); coding-DNA position 3006, G replaced by T.
Protein change: p.Lys1002Asn; replaces lysine 1002 with asparagine.
Molecular consequence: missense variant.
Genome position (GRCh38, 1-based): chr11:9,845,669, C>A on the plus strand (G>T on the coding strand, the complement: SBF2 is on the minus strand). VCF-style: chr11-9845669-C-A. GRCh37 (hg19) VCF-style: chr11-9867216-C-A.
Other names: p.Lys1002Asn; c.3006G>T, p.Lys1002Asn (NM_001386339.1); c.2877G>T, p.Lys959Asn (NM_001386342.1); short protein forms K1002N, K959N.
Identifiers: ClinVar variation 306589 (VCV000306589.14), dbSNP rs572884226, ClinGen allele CA5881395.

ClinVar aggregate classification (germline): Uncertain significance. Review status: criteria provided, multiple submitters, no conflicts (2 of 4 stars). 4 submissions from 4 submitters: Uncertain significance (4). Last evaluated 2025-05-19.

Conditions:
Charcot-Marie-Tooth disease type 4. Also called: Charcot-Marie-Tooth disease, type IV; Charcot-Marie-Tooth, Type 4. Identifiers: Orphanet 64749, MedGen C4082197, MONDO:0018995.
Inborn genetic diseases. Identifiers: MedGen C0950123, MeSH D030342.
Charcot-Marie-Tooth disease type 4B2. Also called: Charcot-Marie-Tooth Neuropathy Type 4B2; CHARCOT-MARIE-TOOTH DISEASE, WITH FOCALLY FOLDED MYELIN SHEATHS, AUTOSOMAL RECESSIVE, TYPE 4B2; CMT 4B2; CHARCOT-MARIE-TOOTH DISEASE, DEMYELINATING, TYPE 4B2. Identifiers: Orphanet 99956, MedGen C1858278, MONDO:0011475, OMIM 604563.

Allele frequency attached by ClinVar (database versions not stated): ExAC 0.00002; gnomAD exomes 0.00003 and 0.00004; gnomAD 0.00005 and 0.00006; TOPMed 0.00006.
gnomAD v4.1: 55 of 1,613,712 alleles (0.0034%); highest among the groups gnomAD compares: Non-Finnish European, 0.0044%; no homozygotes.

Submissions (4):

Ambry Genetics
Classification: Uncertain significance for Inborn genetic diseases. Last evaluated: 2025-05-19. Review status: criteria provided, single submitter. Criteria: Ambry Variant Classification Scheme 2023. Collection method: clinical testing. Allele origin: germline.

Mayo Clinic Laboratories, Mayo Clinic
Classification: Uncertain significance. Last evaluated: 2021-12-29. Review status: criteria provided, single submitter. Criteria: ACMG Guidelines, 2015. Collection method: clinical testing. Allele origin: germline.

Labcorp Genetics (formerly Invitae), Labcorp
Classification: Uncertain significance for Charcot-Marie-Tooth disease type 4. Last evaluated: 2021-10-03. Review status: criteria provided, single submitter. Criteria: Invitae Variant Classification Sherloc (09022015). Collection method: clinical testing. Allele origin: germline.
Comment: This sequence change replaces lysine with asparagine at codon 1002 of the SBF2 protein (p.Lys1002Asn). The lysine residue is highly conserved and there is a moderate physicochemical difference between lysine and asparagine. This variant is present in population databases (rs572884226, ExAC 0.004%). This variant has not been reported in the literature in individuals affected with SBF2-related conditions. ClinVar contains an entry for this variant (Variation ID: 306589). Algorithms developed to predict the effect of missense changes on protein structure and function are either unavailable or do not agree on the potential impact of this missense change (SIFT: "Deleterious"; PolyPhen-2: "Possibly Damaging"; Align-GVGD: "Class C0"). In summary, the available evidence is currently insufficient to determine the role of this variant in disease. Therefore, it has been classified as a Variant of Uncertain Significance.

Illumina Laboratory Services, Illumina
Classification: Uncertain significance for Charcot-Marie-Tooth disease type 4B2. Last evaluated: 2018-01-13. Review status: criteria provided, single submitter. Criteria: ICSL Variant Classification Criteria 13 December 2019. Collection method: clinical testing. Allele origin: germline.